The following is an entry in ClinVar:

NM_004006.3(DMD):c.650-1_650delinsTT

Gene: DMD (dystrophin; minus strand). Cytogenetic location: Xp21.1.
Variant type: Indel.
Coding change: c.650-1_650delinsTT on transcript NM_004006.3 (MANE Select); the canonical splice acceptor site of the intron before coding-DNA position 650 through coding-DNA position 650, GA replaced by TT.
Molecular consequence: splice acceptor variant.
Genome position (GRCh38, 1-based): chrX:32,699,293-32,699,294, TC replaced by AA on the plus strand (GA replaced by TT on the coding strand, the reverse complement: DMD is on the minus strand). VCF-style: chrX-32699293-TC-AA. GRCh37 (hg19) VCF-style: chrX-32717410-TC-AA.
Other names: c.626-1_626delinsTT (NM_000109.4); c.638-1_638delinsTT (NM_004009.3); c.281-1_281delinsTT (NM_004010.3).
Identifiers: ClinVar variation 2763558 (VCV002763558.3), dbSNP rs2521199896, ClinGen allele CA2697553012.

ClinVar aggregate classification (germline): Likely pathogenic (1 of 4 stars; one submission).

Conditions:
Duchenne muscular dystrophy (DMD). Also called: MUSCULAR DYSTROPHY, PSEUDOHYPERTROPHIC PROGRESSIVE, DUCHENNE TYPE; Duchenne Muscular Dystrophy (DMD). Identifiers: Orphanet 98896, MedGen C0013264, MONDO:0010679, OMIM 310200.

Submission:

Labcorp Genetics (formerly Invitae), Labcorp
Classification: Likely pathogenic for Duchenne muscular dystrophy. Last evaluated: 2026-01-12. Review status: criteria provided, single submitter. Criteria: Invitae Variant Classification Sherloc (09022015). Collection method: clinical testing. Allele origin: germline.
Comment: This sequence change affects a splice site in intron 7 of the DMD gene. It is expected to disrupt RNA splicing. Variants that disrupt the donor or acceptor splice site typically lead to a loss of protein function (PMID: 16199547), and loss-of-function variants in DMD are known to be pathogenic (PMID: 16770791, 25007885). Information on the frequency of this variant in the gnomAD database is not available, as this variant may be reported differently in the database. This variant has not been reported in the literature in individuals affected with DMD-related conditions. ClinVar contains an entry for this variant (Variation ID: 2763558). In summary, the currently available evidence indicates that the variant is pathogenic, but additional data are needed to prove that conclusively. Therefore, this variant has been classified as Likely Pathogenic.

Literature cited by the submitters: PubMed 16199547; PubMed 16770791; PubMed 25007885.